The following is an entry in ClinVar:

ClinVar aggregate classification (germline): Likely pathogenic (0 of 4 stars; one submission).

Conditions:
Congenital microcephaly - severe encephalopathy - progressive cerebral atrophy syndrome. Also called: Asparagine synthetase deficiency; ASNS DEFICIENCY. Identifiers: Orphanet 391376, MedGen C3809971, MONDO:0014258, OMIM 615574.

Submission:

Pfaffle Lab, University Hospital for Children and Adolescents, University of Leipzig
Classification: Likely pathogenic for Congenital microcephaly - severe encephalopathy - progressive cerebral atrophy syndrome. Last evaluated: 2018-03-31. Review status: no assertion criteria provided. Collection method: clinical testing. Allele origin: germline. Inheritance: Autosomal recessive inheritance. Affected: yes. Observed: 2 variant alleles, 2 compound heterozygotes. Clinical features observed: Microcephaly (HP:0000252).
Comment: The c.1165G>C variant was observed in a compound heterozygote mode of inheritance together with the variant c.601delA in ASNS in 1 German family with microcephaly. The variants segregated in the family and were absent from large population studies and controls.

NM_001673.5(ASNS):c.1165G>C (p.Glu389Gln)

Genes: ASNS (asparagine synthetase (glutamine-hydrolyzing); minus strand), CZ1P-ASNS (CZ1P-ASNS readthrough; minus strand). Cytogenetic location: 7q21.3.
Variant type: single nucleotide variant.
Coding change: c.1165G>C on transcript NM_001673.5 (MANE Select); coding-DNA position 1165, G replaced by C.
Protein change: p.Glu389Gln; replaces glutamic acid 389 with glutamine.
Molecular consequence: missense variant. On other transcripts: non-coding transcript variant (1).
Genome position (GRCh38, 1-based): chr7:97,854,653, C>G on the plus strand (G>C on the coding strand, the complement: ASNS is on the minus strand). VCF-style: chr7-97854653-C-G. GRCh37 (hg19) VCF-style: chr7-97483965-C-G.
Other names: c.1165G>C, p.Glu389Gln (NM_133436.3, NM_001352496.2, NM_183356.4); c.1102G>C, p.Glu368Gln (NM_001178075.2); c.916G>C, p.Glu306Gln (NM_001178076.2, NM_001178077.1); short protein forms E389Q, E306Q, E368Q.
Identifiers: ClinVar variation 545473 (VCV000545473.2), dbSNP rs948326794, ClinGen allele CA368265467.